The following is an entry in ClinVar:

NM_152703.5(SAMD9L):c.2096A>G (p.Tyr699Cys)

Gene: SAMD9L (sterile alpha motif domain containing 9 like; minus strand). Cytogenetic location: 7q21.2.
Variant type: single nucleotide variant.
Coding change: c.2096A>G on transcript NM_152703.5 (MANE Select); coding-DNA position 2096, A replaced by G.
Protein change: p.Tyr699Cys; replaces tyrosine 699 with cysteine.
Molecular consequence: missense variant.
Genome position (GRCh38, 1-based): chr7:93,133,876, T>C on the plus strand (A>G on the coding strand, the complement: SAMD9L is on the minus strand). VCF-style: chr7-93133876-T-C. GRCh37 (hg19) VCF-style: chr7-92763189-T-C.
Other names: c.2096A>G, p.Tyr699Cys (NM_001350085.2, NM_001303496.3, NM_001303497.3 and 5 more transcripts); short protein forms Y699C.
Identifiers: ClinVar variation 3792365 (VCV003792365.1).

ClinVar aggregate classification (germline): Uncertain significance (1 of 4 stars; one submission).

Conditions:
Inborn genetic diseases. Identifiers: MedGen C0950123, MeSH D030342.

Submission:

Ambry Genetics
Classification: Uncertain significance for Inborn genetic diseases. Last evaluated: 2025-01-29. Review status: criteria provided, single submitter. Criteria: Ambry Variant Classification Scheme 2023. Collection method: clinical testing. Allele origin: germline.
Comment: The p.Y699C variant (also known as c.2096A>G), located in coding exon 1 of the SAMD9L gene, results from an A to G substitution at nucleotide position 2096. The tyrosine at codon 699 is replaced by cysteine, an amino acid with highly dissimilar properties. This amino acid position is conserved. In addition, this alteration is predicted to be tolerated by in silico analysis. Based on the available evidence, the clinical significance of this variant remains unclear.